The following is an entry in ClinVar:

ClinVar aggregate classification (germline): Likely pathogenic (1 of 4 stars; one submission).

Conditions:
Becker muscular dystrophy, Cardiomyopathy, Duchenne muscular dystrophy, Dystrophin deficiency.

Submission:

Natera, Inc.
Classification: Likely pathogenic for Becker muscular dystrophy, Cardiomyopathy, Duchenne muscular dystrophy, Dystrophin deficiency. Last evaluated: 2024-12-21. Review status: criteria provided, single submitter. Criteria: Natera Variant Classification Schema (03/2026). Collection method: clinical testing. Allele origin: germline.
Comment: The c.661_665dup variant in DMD is a frameshift variant predicted to shift the reading frame and introduce a stop codon. This variant is expected to result in nonsense mediated decay, truncation, or a dysfunctional protein product. This variant is rare in the general population with a frequency below the threshold expected for the associated phenotype(s). Given the available evidence, this variant is classified as Likely Pathogenic.

NM_004006.3(DMD):c.661_665dup (p.Tyr222Ter)

Gene: DMD (dystrophin; minus strand). Cytogenetic location: Xp21.1.
Variant type: Duplication.
Coding change: c.661_665dup on transcript NM_004006.3 (MANE Select); coding-DNA positions 661 to 665, 5 bases duplicated (ACCTA; older notation c.661_665dupACCTA).
Protein change: p.Tyr222Ter; replaces tyrosine 222 with a stop codon.
Molecular consequence: nonsense.
Genome position (GRCh38, 1-based): chrX:32,699,278-32,699,282, TAGGT duplicated on the plus strand (ACCTA on the coding strand, the reverse complement: DMD is on the minus strand). VCF-style (leftmost placement, unchanged base first): chrX-32699277-A-ATAGGT. GRCh37 (hg19) VCF-style: chrX-32717394-A-ATAGGT.
Other names: c.637_641dup, p.Tyr214Ter (NM_000109.4); c.649_653dup, p.Tyr218Ter (NM_004009.3); c.292_296dup, p.Tyr99Ter (NM_004010.3); short protein forms Y214*, Y218*, Y222*, Y99*.
Identifiers: ClinVar variation 4815319 (VCV004815319.1).